The following is an entry in ClinVar:

NM_002439.5(MSH3):c.1069G>A (p.Asp357Asn)

Gene: MSH3 (mutS homolog 3; plus strand). Cytogenetic location: 5q14.1.
Variant type: single nucleotide variant.
Coding change: c.1069G>A on transcript NM_002439.5 (MANE Select); coding-DNA position 1069, G replaced by A.
Protein change: p.Asp357Asn; replaces aspartic acid 357 with asparagine.
Molecular consequence: missense variant.
Genome position (GRCh38, 1-based): chr5:80,675,024, G>A. VCF-style: chr5-80675024-G-A. GRCh37 (hg19) VCF-style: chr5-79970843-G-A.
Other names: short protein forms D357N.
Identifiers: ClinVar variation 2451085 (VCV002451085.6), dbSNP rs2546724263, ClinGen allele CA360267972.

ClinVar aggregate classification (germline): Uncertain significance. Review status: criteria provided, multiple submitters, no conflicts (2 of 4 stars). 2 submissions from 2 submitters: Uncertain significance (2). Last evaluated 2025-11-27.

Conditions:
Hereditary cancer-predisposing syndrome. Also called: Neoplastic Syndromes, Hereditary; Tumor predisposition; Hereditary neoplastic syndrome; Hereditary Cancer Syndrome. Identifiers: Orphanet 140162, MedGen C0027672, MeSH D009386, MONDO:0015356.

Submissions (2):

Ambry Genetics
Classification: Uncertain significance for Hereditary cancer-predisposing syndrome. Last evaluated: 2025-11-27. Review status: criteria provided, single submitter. Criteria: Ambry Variant Classification Scheme 2023. Collection method: clinical testing. Allele origin: germline.
Comment: The p.D357N variant (also known as c.1069G>A), located in coding exon 7 of the MSH3 gene, results from a G to A substitution at nucleotide position 1069. The aspartic acid at codon 357 is replaced by asparagine, an amino acid with highly similar properties. This amino acid position is conserved. In addition, this alteration is predicted to be tolerated by in silico analysis. Since supporting evidence is limited at this time, the clinical significance of this alteration remains unclear.

Labcorp Genetics (formerly Invitae), Labcorp
Classification: Uncertain significance. Last evaluated: 2025-01-22. Review status: criteria provided, single submitter. Criteria: Invitae Variant Classification Sherloc (09022015). Collection method: clinical testing. Allele origin: germline.
Comment: This sequence change replaces aspartic acid, which is acidic and polar, with asparagine, which is neutral and polar, at codon 357 of the MSH3 protein (p.Asp357Asn). This variant is not present in population databases (gnomAD no frequency). This variant has not been reported in the literature in individuals affected with MSH3-related conditions. ClinVar contains an entry for this variant (Variation ID: 2451085). An algorithm developed to predict the effect of missense changes on protein structure and function (PolyPhen-2) suggests that this variant is likely to be disruptive. Algorithms developed to predict the effect of sequence changes on RNA splicing suggest that this variant may disrupt the consensus splice site. In summary, the available evidence is currently insufficient to determine the role of this variant in disease. Therefore, it has been classified as a Variant of Uncertain Significance.